The following is an entry in ClinVar:

NM_032578.4(MYPN):c.1345G>A (p.Gly449Ser)

Gene: MYPN (myopalladin; plus strand). Cytogenetic location: 10q21.3.
Variant type: single nucleotide variant.
Coding change: c.1345G>A on transcript NM_032578.4 (MANE Select); coding-DNA position 1345, G replaced by A.
Protein change: p.Gly449Ser; replaces glycine 449 with serine.
Molecular consequence: missense variant. On other transcripts: non-coding transcript variant (2).
Genome position (GRCh38, 1-based): chr10:68,158,513, G>A. VCF-style: chr10-68158513-G-A. GRCh37 (hg19) VCF-style: chr10-69918270-G-A.
Other names: c.1345G>A, p.Gly449Ser (NM_001256267.2); c.463G>A, p.Gly155Ser (NM_001256268.2); short protein forms G449S, G155S.
Identifiers: ClinVar variation 1418262 (VCV001418262.6), dbSNP rs1279495838, ClinGen allele CA376834458.

ClinVar aggregate classification (germline): Uncertain significance (1 of 4 stars; one submission).

Conditions:
Dilated cardiomyopathy 1KK (CMD1KK). Identifiers: Orphanet 154, Orphanet 75249, MedGen C3714995, MONDO:0014100, OMIM 615248.

Submission:

Labcorp Genetics (formerly Invitae), Labcorp
Classification: Uncertain significance for Dilated cardiomyopathy 1KK. Last evaluated: 2021-10-20. Review status: criteria provided, single submitter. Criteria: Invitae Variant Classification Sherloc (09022015). Collection method: clinical testing. Allele origin: germline.
Comment: This variant has not been reported in the literature in individuals affected with MYPN-related conditions. This sequence change replaces glycine with serine at codon 449 of the MYPN protein (p.Gly449Ser). The glycine residue is highly conserved and there is a small physicochemical difference between glycine and serine. This variant is not present in population databases (ExAC no frequency). Algorithms developed to predict the effect of missense changes on protein structure and function are either unavailable or do not agree on the potential impact of this missense change (SIFT: "Deleterious"; PolyPhen-2: "Probably Damaging"; Align-GVGD: "Class C0"). In summary, the available evidence is currently insufficient to determine the role of this variant in disease. Therefore, it has been classified as a Variant of Uncertain Significance.